The following is an entry in ClinVar:

NM_182914.3(SYNE2):c.7502T>C (p.Leu2501Ser)

Gene: SYNE2 (spectrin repeat containing nuclear envelope protein 2; plus strand). Cytogenetic location: 14q23.2.
Variant type: single nucleotide variant.
Coding change: c.7502T>C on transcript NM_182914.3 (MANE Select); coding-DNA position 7502, T replaced by C.
Protein change: p.Leu2501Ser; replaces leucine 2501 with serine.
Molecular consequence: missense variant.
Genome position (GRCh38, 1-based): chr14:64,049,735, T>C. VCF-style: chr14-64049735-T-C. GRCh37 (hg19) VCF-style: chr14-64516453-T-C.
Other names: c.7502T>C, p.Leu2501Ser (NM_015180.6); short protein forms L2501S.
Identifiers: ClinVar variation 2644288 (VCV002644288.24), dbSNP rs748706942, ClinGen allele CA7220954.

ClinVar aggregate classification (germline): Uncertain significance (1 of 4 stars; one submission).

Allele frequency attached by ClinVar (database versions not stated): ExAC 0.00001; gnomAD 0.00001; gnomAD exomes 0.00002.
gnomAD v4.1: 12 of 1,614,054 alleles (0.00074%); highest among the groups gnomAD compares: South Asian, 0.013%; 1 homozygote.

Submission:

CeGaT Center for Human Genetics Tuebingen
Classification: Uncertain significance. Last evaluated: 2023-07-01. Review status: criteria provided, single submitter. Criteria: CeGaT Center For Human Genetics Tuebingen Variant Classification Criteria Version 2. Collection method: clinical testing. Allele origin: germline. Affected: yes. Observed: 1 variant allele.
Comment: SYNE2: PM2:Supporting, BP4